The following is an entry in ClinVar:

ClinVar aggregate classification (germline): Uncertain significance (1 of 4 stars; one submission).

Conditions:
Congenital myasthenic syndrome 5. Identifiers: Orphanet 590, MedGen C1864233, MONDO:0011281, OMIM 603034.

gnomAD v4.1: 6 of 1,605,478 alleles (0.00037%); highest among the groups gnomAD compares: Admixed American, 0.0033%; no homozygotes.

Submission:

Labcorp Genetics (formerly Invitae), Labcorp
Classification: Uncertain significance for Congenital myasthenic syndrome 5. Last evaluated: 2024-07-31. Review status: criteria provided, single submitter. Criteria: Invitae Variant Classification Sherloc (09022015). Collection method: clinical testing. Allele origin: germline.
Comment: This sequence change replaces methionine, which is neutral and non-polar, with valine, which is neutral and non-polar, at codon 83 of the COLQ protein (p.Met83Val). This variant is not present in population databases (gnomAD no frequency). This variant has not been reported in the literature in individuals affected with COLQ-related conditions. Advanced modeling of protein sequence and biophysical properties (such as structural, functional, and spatial information, amino acid conservation, physicochemical variation, residue mobility, and thermodynamic stability) performed at Invitae indicates that this missense variant is not expected to disrupt COLQ protein function with a negative predictive value of 80%. In summary, the available evidence is currently insufficient to determine the role of this variant in disease. Therefore, it has been classified as a Variant of Uncertain Significance.

NM_005677.4(COLQ):c.247A>G (p.Met83Val)

Gene: COLQ (collagen like tail subunit of asymmetric acetylcholinesterase; minus strand). Cytogenetic location: 3p25.1.
Variant type: single nucleotide variant.
Coding change: c.247A>G on transcript NM_005677.4 (MANE Select); coding-DNA position 247, A replaced by G.
Protein change: p.Met83Val; replaces methionine 83 with valine.
Molecular consequence: missense variant. On other transcripts: intron variant (1).
Genome position (GRCh38, 1-based): chr3:15,488,280, T>C on the plus strand (A>G on the coding strand, the complement: COLQ is on the minus strand). VCF-style: chr3-15488280-T-C. GRCh37 (hg19) VCF-style: chr3-15529787-T-C.
Other names: c.217A>G, p.Met73Val (NM_080538.2); c.219+1245A>G (NM_080539.4); short protein forms M73V, M83V.
Identifiers: ClinVar variation 3628719 (VCV003628719.2).